The following is an entry in ClinVar:

ClinVar aggregate classification (germline): Likely benign. Review status: criteria provided, multiple submitters, no conflicts (2 of 4 stars). 3 submissions from 3 submitters: Likely benign (2). 1 of the submissions does not count toward it. Last evaluated 2025-08-19.

Conditions:
HEPACAM-related disorder. Also called: HEPACAM-related condition.

Allele frequency attached by ClinVar (database versions not stated): gnomAD 0.00011 and 0.00012; TOPMed 0.00011; ESP Exome Variant Server 0.00008; gnomAD exomes 0.00008 and 0.00017; ExAC 0.00011.
gnomAD v4.1: 264 of 1,612,750 alleles (0.016%); highest among the groups gnomAD compares: Non-Finnish European, 0.021%; no homozygotes.

Submissions (3):

Mayo Clinic Laboratories, Mayo Clinic
Classification: Likely benign. Last evaluated: 2025-08-19. Review status: criteria provided, single submitter. Criteria: ACMG Guidelines, 2015. Collection method: clinical testing. Allele origin: germline. Observed: 1 variant allele.
Comment: BP4, BP7

Labcorp Genetics (formerly Invitae), Labcorp
Classification: Likely benign. Last evaluated: 2024-02-02. Review status: criteria provided, single submitter. Criteria: Invitae Variant Classification Sherloc (09022015). Collection method: clinical testing. Allele origin: germline.

PreventionGenetics, part of Exact Sciences
Classification: Likely benign for HEPACAM-related condition. Last evaluated: 2024-09-10. Review status: no assertion criteria provided. Collection method: clinical testing. Allele origin: germline. Not counted in ClinVar's aggregate classification.
Comment: This variant is classified as likely benign based on ACMG/AMP sequence variant interpretation guidelines (Richards et al. 2015 PMID: 25741868, with internal and published modifications).

NM_152722.5(HEPACAM):c.498G>A (p.Leu166=)

Gene: HEPACAM (hepatic and glial cell adhesion molecule; minus strand). Cytogenetic location: 11q24.2.
Variant type: single nucleotide variant.
Coding change: c.498G>A on transcript NM_152722.5 (MANE Select); coding-DNA position 498, G replaced by A.
Protein change: p.Leu166=; no amino-acid change (leucine 166 retained).
Molecular consequence: synonymous variant.
Genome position (GRCh38, 1-based): chr11:124,923,940, C>T on the plus strand (G>A on the coding strand, the complement: HEPACAM is on the minus strand). VCF-style: chr11-124923940-C-T. GRCh37 (hg19) VCF-style: chr11-124793836-C-T.
Other names: p.Leu166=; c.498G>A (NM_152722.4).
Identifiers: ClinVar variation 1649996 (VCV001649996.10), dbSNP rs367911488, ClinGen allele CA6345726.